The following is an entry in ClinVar:

NM_001267550.2(TTN):c.16095C>T (p.Asn5365=)

Gene: TTN (titin; minus strand). Cytogenetic location: 2q31.2.
Variant type: single nucleotide variant.
Coding change: c.16095C>T on transcript NM_001267550.2 (MANE Select); coding-DNA position 16095, C replaced by T.
Protein change: p.Asn5365=; no amino-acid change (asparagine 5365 retained).
Molecular consequence: synonymous variant. On other transcripts: intron variant (3).
Genome position (GRCh38, 1-based): chr2:178,733,081, G>A on the plus strand (C>T on the coding strand, the complement: TTN is on the minus strand). VCF-style: chr2-178733081-G-A. GRCh37 (hg19) VCF-style: chr2-179597808-G-A.
Other names: p.N5048N:AAC>AAT; p.Asn4121=; c.15144C>T, p.Asn5048= (NM_001256850.1); c.12363C>T, p.Asn4121= (NM_133378.4); c.13282+5001C>T (NM_003319.4); c.13858+5001C>T (NM_133437.4); c.13657+5001C>T (NM_133432.3).
Identifiers: ClinVar variation 46612 (VCV000046612.55), dbSNP rs72648935, ClinGen allele CA282693.

ClinVar aggregate classification (germline): Benign/Likely benign. Review status: criteria provided, multiple submitters, no conflicts (2 of 4 stars). 27 submissions from 20 submitters: Benign (18); Likely benign (3). 6 of the submissions do not count toward it. Last evaluated 2026-09-21.

Conditions:
Dilated cardiomyopathy 1G (CMD1G). Identifiers: Orphanet 154, MedGen C1858763, MONDO:0011400, OMIM 604145.
Autosomal recessive limb-girdle muscular dystrophy type 2J (LGMDR10). Also called: MUSCULAR DYSTROPHY, LIMB-GIRDLE, AUTOSOMAL RECESSIVE 10; Limb-girdle muscular dystrophy, type 2J. Identifiers: Orphanet 140922, MedGen C1837342, MONDO:0012127, OMIM 608807.
TTN-related disorder. Also called: TTN-related disorders; TTN-related condition; TTN-related disease.
Cardiovascular phenotype. Identifiers: MedGen CN230736.
Cardiomyopathy (CMYO). Also called: Cardiomyopathies. Identifiers: Orphanet 167848, MedGen C0878544, MONDO:0004994, HP:0001638. Inheritance: Various modes of inheritance.
Early-onset myopathy with fatal cardiomyopathy (CMYO5). Also called: CONGENITAL MYOPATHY 5 WITH CARDIOMYOPATHY; Salih Myopathy. Identifiers: Orphanet 289377, MedGen C2673677, MONDO:0012714, OMIM 611705. Disease mechanism: loss of function.
Myopathy, myofibrillar, 9, with early respiratory failure (MFM9). Also called: Myopathy, distal, with early respiratory failure, autosomal dominant; Hereditary myopathy with early respiratory failure; MYOPATHY, PROXIMAL, WITH EARLY RESPIRATORY MUSCLE INVOLVEMENT; EDSTROM MYOPATHY. Identifiers: Orphanet 178464, Orphanet 34521, MedGen C1863599, MONDO:0011362, OMIM 603689.
Tibial muscular dystrophy (TMD). Also called: Udd Distal Myopathy – Tibial Muscular Dystrophy; Tibial muscular dystrophy, tardive; UDD MYOPATHY. Identifiers: Orphanet 609, MedGen C1838244, MONDO:0010870, OMIM 600334.

Allele frequency attached by ClinVar (database versions not stated): 1000 Genomes Project 30x 0.00890; gnomAD 0.01037 and 0.01116; TOPMed 0.01234; 1000 Genomes Project 0.00859; ESP Exome Variant Server 0.01125.
gnomAD v4.1: 4,490 of 1,606,172 alleles (0.28%); highest among the groups gnomAD compares: African/African-American, 3.4%; 58 homozygotes.

Submissions (27):

Molecular Diagnostic Laboratory for Inherited Cardiovascular Disease, Montreal Heart Institute
Classification: Benign. Last evaluated: 2026-09-21. Review status: criteria provided, single submitter. Criteria: ACMG Guidelines, 2015. Collection method: clinical testing. Allele origin: germline. Affected: no.

Labcorp Genetics (formerly Invitae), Labcorp
Classification: Benign for Dilated cardiomyopathy 1G; Autosomal recessive limb-girdle muscular dystrophy type 2J. Last evaluated: 2026-02-03. Review status: criteria provided, single submitter. Criteria: Invitae Variant Classification Sherloc (09022015). Collection method: clinical testing. Allele origin: germline.

ARUP Laboratories, Molecular Genetics and Genomics, ARUP Laboratories
Classification: Benign. Last evaluated: 2025-04-08. Review status: criteria provided, single submitter. Criteria: ARUP Molecular Germline Variant Investigation Process 2024. Collection method: clinical testing. Allele origin: germline.

Genome-Nilou Lab
Classification: Benign for Autosomal recessive limb-girdle muscular dystrophy type 2J. Last evaluated: 2021-09-10. Review status: criteria provided, single submitter. Criteria: ACMG Guidelines, 2015. Collection method: clinical testing. Allele origin: germline. Affected: no.

Genome-Nilou Lab
Classification: Benign for Myopathy, myofibrillar, 9, with early respiratory failure. Last evaluated: 2021-09-10. Review status: criteria provided, single submitter. Criteria: ACMG Guidelines, 2015. Collection method: clinical testing. Allele origin: germline. Affected: no.

Genome-Nilou Lab
Classification: Benign for Early-onset myopathy with fatal cardiomyopathy. Last evaluated: 2021-09-10. Review status: criteria provided, single submitter. Criteria: ACMG Guidelines, 2015. Collection method: clinical testing. Allele origin: germline. Affected: no.

Genome-Nilou Lab
Classification: Benign for Tibial muscular dystrophy. Last evaluated: 2021-09-10. Review status: criteria provided, single submitter. Criteria: ACMG Guidelines, 2015. Collection method: clinical testing. Allele origin: germline. Affected: no.

Athena Diagnostics
Classification: Benign. Last evaluated: 2020-11-09. Review status: criteria provided, single submitter. Criteria: Athena Diagnostics criteria. Collection method: clinical testing. Allele origin: unknown.

Women's Health and Genetics/Laboratory Corporation of America, LabCorp
Classification: Benign. Last evaluated: 2019-09-14. Review status: criteria provided, single submitter. Criteria: LabCorp Variant Classification Summary - May 2015. Collection method: clinical testing. Allele origin: germline.

Mayo Clinic Laboratories, Mayo Clinic
Classification: Benign. Last evaluated: 2018-03-02. Review status: criteria provided, single submitter. Criteria: ACMG Guidelines, 2015. Collection method: clinical testing. Allele origin: germline. Observed: 27 variant alleles.

Illumina Laboratory Services, Illumina
Classification: Likely benign for Autosomal recessive limb-girdle muscular dystrophy type 2J. Last evaluated: 2018-01-12. Review status: criteria provided, single submitter. Criteria: ICSL Variant Classification Criteria 13 December 2019. Collection method: clinical testing. Allele origin: germline.
Comment: This variant was observed in the ICSL laboratory as part of a predisposition screen in an ostensibly healthy population. It had not been previously curated by ICSL or reported in the Human Gene Mutation Database (HGMD: prior to June 1st, 2018), and was therefore a candidate for classification through an automated scoring system. Utilizing variant allele frequency, disease prevalence and penetrance estimates, and inheritance mode, an automated score was calculated to assess if this variant is too frequent to cause the disease. Based on the score and internal cut-off values, a variant classified as likely benign is not then subjected to further curation. The score for this variant resulted in a classification of likely benign for this disease.

Illumina Laboratory Services, Illumina
Classification: Benign for Early-onset myopathy with fatal cardiomyopathy. Last evaluated: 2018-01-12. Review status: criteria provided, single submitter. Criteria: ICSL Variant Classification Criteria 13 December 2019. Collection method: clinical testing. Allele origin: germline.
Comment: This variant was observed in the ICSL laboratory as part of a predisposition screen in an ostensibly healthy population. It had not been previously curated by ICSL or reported in the Human Gene Mutation Database (HGMD: prior to June 1st, 2018), and was therefore a candidate for classification through an automated scoring system. Utilizing variant allele frequency, disease prevalence and penetrance estimates, and inheritance mode, an automated score was calculated to assess if this variant is too frequent to cause the disease. Based on the score and internal cut-off values, a variant classified as benign is not then subjected to further curation. The score for this variant resulted in a classification of benign for this disease.

Illumina Laboratory Services, Illumina
Classification: Likely benign for Dilated cardiomyopathy 1G. Last evaluated: 2018-01-12. Review status: criteria provided, single submitter. Criteria: ICSL Variant Classification Criteria 13 December 2019. Collection method: clinical testing. Allele origin: germline.
Comment: the same text as in the submission from Illumina Laboratory Services, Illumina above.

Illumina Laboratory Services, Illumina
Classification: Benign for Myopathy, myofibrillar, 9, with early respiratory failure. Last evaluated: 2018-01-12. Review status: criteria provided, single submitter. Criteria: ICSL Variant Classification Criteria 13 December 2019. Collection method: clinical testing. Allele origin: germline.
Comment: the same text as in the submission from Illumina Laboratory Services, Illumina above.

Illumina Laboratory Services, Illumina
Classification: Benign for Tibial muscular dystrophy. Last evaluated: 2018-01-12. Review status: criteria provided, single submitter. Criteria: ICSL Variant Classification Criteria 13 December 2019. Collection method: clinical testing. Allele origin: germline.
Comment: the same text as in the submission from Illumina Laboratory Services, Illumina above.

CHEO Genetics Diagnostic Laboratory, Children's Hospital of Eastern Ontario
Classification: Benign for Cardiomyopathy. Last evaluated: 2016-03-08. Review status: criteria provided, single submitter. Criteria: ACMG Guidelines, 2015. Collection method: clinical testing. Allele origin: germline. Study: Canadian Open Genetics Repository.

Genetic Services Laboratory, University of Chicago
Classification: Benign for AllHighlyPenetrant. Last evaluated: 2013-08-15. Review status: criteria provided, single submitter. Criteria: ACMG Guidelines, 2007. Collection method: clinical testing. Allele origin: germline.

GeneDx
Classification: Benign. Last evaluated: 2013-04-30. Review status: criteria provided, single submitter. Criteria: GeneDx Variant Classification (06012015). Collection method: clinical testing. Allele origin: germline. Affected: yes.
Comment: This variant is considered likely benign or benign based on one or more of the following criteria: it is a conservative change, it occurs at a poorly conserved position in the protein, it is predicted to be benign by multiple in silico algorithms, and/or has population frequency not consistent with disease.

Ambry Genetics
Classification: Benign for Cardiovascular phenotype. Last evaluated: 2012-12-14. Review status: criteria provided, single submitter. Criteria: Ambry Autosomal Dominant and X-Linked criteria (10/2015). Collection method: clinical testing. Allele origin: germline. Observed: 1 variant allele.

Laboratory for Molecular Medicine, Mass General Brigham Personalized Medicine
Classification: Benign. Last evaluated: 2012-02-07. Review status: criteria provided, single submitter. Criteria: LMM Criteria. Collection method: clinical testing. Allele origin: germline. Observed: 17 variant alleles.

Breakthrough Genomics
Classification: Likely benign. Review status: criteria provided, single submitter. Criteria: ACMG Guidelines, 2015. Collection method: not provided. Allele origin: germline. Inheritance: Autosomal recessive inheritance. Affected: yes.

PreventionGenetics, part of Exact Sciences
Classification: Benign for TTN-related condition. Last evaluated: 2019-05-29. Review status: no assertion criteria provided. Collection method: clinical testing. Allele origin: germline. Not counted in ClinVar's aggregate classification.
Comment: This variant is classified as benign based on ACMG/AMP sequence variant interpretation guidelines (Richards et al. 2015 PMID: 25741868, with internal and published modifications).

Clinical Genetics DNA and cytogenetics Diagnostics Lab, Erasmus MC, Erasmus Medical Center
Classification: Benign. Review status: no assertion criteria provided. Collection method: clinical testing. Allele origin: germline. Affected: yes. Study: VKGL Data-share Consensus. Not counted in ClinVar's aggregate classification.

Clinical Genetics, Academic Medical Center
Classification: Benign. Review status: no assertion criteria provided. Collection method: clinical testing. Allele origin: germline. Affected: yes. Study: VKGL Data-share Consensus. Not counted in ClinVar's aggregate classification.

Diagnostic Laboratory, Department of Genetics, University Medical Center Groningen
Classification: Likely benign. Review status: no assertion criteria provided. Collection method: clinical testing. Allele origin: germline. Affected: yes. Study: VKGL Data-share Consensus. Not counted in ClinVar's aggregate classification.

Joint Genome Diagnostic Labs from Nijmegen and Maastricht, Radboudumc and MUMC+
Classification: Benign. Review status: no assertion criteria provided. Collection method: clinical testing. Allele origin: germline. Affected: yes. Study: VKGL Data-share Consensus. Not counted in ClinVar's aggregate classification.

Laboratory of Diagnostic Genome Analysis, Leiden University Medical Center (LUMC)
Classification: Likely benign. Review status: no assertion criteria provided. Collection method: clinical testing. Allele origin: germline. Affected: yes. Study: VKGL Data-share Consensus. Not counted in ClinVar's aggregate classification.